The following is an entry in ClinVar:

ClinVar aggregate classification (germline): Pathogenic (1 of 4 stars; one submission).

Conditions:
Deafness-lymphedema-leukemia syndrome. Also called: Emberger syndrome; Lymphedema, primary, with myelodysplasia. Identifiers: Orphanet 3226, MedGen C3279664, MONDO:0013540, OMIM 614038.
Monocytopenia with susceptibility to infections. Also called: IMMUNODEFICIENCY 21; GATA2 DEFICIENCY; MONOCYTOPENIA AND MYCOBACTERIAL INFECTION SYNDROME; MONOCYTOPENIA WITH SUSCEPTIBILITY TO MYCOBACTERIAL, FUNGAL, AND PAPILLOMAVIRUS INFECTIONS AND MYELODYSPLASIA; COMBINED IMMUNODEFICIENCY WITH SUSCEPTIBILITY TO MYCOBACTERIAL, VIRAL, AND FUNGAL INFECTIONS; Dendritic cell, monocyte, B lymphocyte, and natural killer lymphocyte deficiency. Identifiers: Orphanet 228423, MedGen C3280030, MONDO:0013607, OMIM 614172.

Submission:

Labcorp Genetics (formerly Invitae), Labcorp
Classification: Pathogenic for Monocytopenia with susceptibility to infections; Deafness-lymphedema-leukemia syndrome. Last evaluated: 2023-07-12. Review status: criteria provided, single submitter. Criteria: Invitae Variant Classification Sherloc (09022015). Collection method: clinical testing. Allele origin: germline.
Comment: This sequence change creates a premature translational stop signal (p.Lys102Serfs*81) in the GATA2 gene. It is expected to result in an absent or disrupted protein product. Loss-of-function variants in GATA2 are known to be pathogenic (PMID: 21670465, 23223431). This variant is not present in population databases (gnomAD no frequency). This variant has not been reported in the literature in individuals affected with GATA2-related conditions. For these reasons, this variant has been classified as Pathogenic.

Literature cited by the submitters: PubMed 21670465; PubMed 23223431.

NM_032638.5(GATA2):c.305_309del (p.Lys102fs)

Gene: GATA2 (GATA binding protein 2; minus strand). Cytogenetic location: 3q21.3.
Variant type: Deletion.
Coding change: c.305_309del on transcript NM_032638.5 (MANE Select); coding-DNA positions 305 to 309, 5 bases deleted (AAGCA; older notation c.305_309delAAGCA).
Protein change: p.Lys102fs; shifts the reading frame from lysine 102.
Molecular consequence: frameshift variant.
Genome position (GRCh38, 1-based): chr3:128,486,289-128,486,293, TGCTT deleted on the plus strand (AAGCA on the coding strand, the reverse complement: GATA2 is on the minus strand); deleting any 5 consecutive bases within chr3:128,486,289-128,486,296 gives the same sequence; the c. name uses the placement nearest the transcript's 3' end. VCF-style (leftmost placement, unchanged base first): chr3-128486288-CTGCTT-C. GRCh37 (hg19) VCF-style: chr3-128205131-CTGCTT-C.
Other names: c.305_309del, p.Lys102fs (NM_001145661.2, NM_001145662.1); short protein forms K102fs.
Identifiers: ClinVar variation 2949803 (VCV002949803.3), dbSNP rs2472932040, ClinGen allele CA2740090997.